The following is an entry in ClinVar:

NM_005101.4(ISG15):c.369G>T (p.Trp123Cys)

Gene: ISG15 (ISG15 ubiquitin like modifier; plus strand). Cytogenetic location: 1p36.33.
Variant type: single nucleotide variant.
Coding change: c.369G>T on transcript NM_005101.4 (MANE Select); coding-DNA position 369, G replaced by T.
Protein change: p.Trp123Cys; replaces tryptophan 123 with cysteine.
Molecular consequence: missense variant.
Genome position (GRCh38, 1-based): chr1:1,014,349, G>T. VCF-style: chr1-1014349-G-T. GRCh37 (hg19) VCF-style: chr1-949729-G-T.
Other names: short protein forms W123C.
Identifiers: ClinVar variation 2046714 (VCV002046714.4), dbSNP rs2523128168, ClinGen allele CA337805341.

ClinVar aggregate classification (germline): Uncertain significance (1 of 4 stars; one submission).

Conditions:
Mendelian susceptibility to mycobacterial diseases due to complete ISG15 deficiency. Also called: IMMUNODEFICIENCY 38, MYCOBACTERIOSIS, AUTOSOMAL RECESSIVE; ISG15 DEFICIENCY, AUTOSOMAL RECESSIVE; Immunodeficiency 38 with basal ganglia calcification; Immunodeficiency 38. Identifiers: Orphanet 319563, MedGen C4015293, MONDO:0014502, OMIM 616126.

Submission:

Labcorp Genetics (formerly Invitae), Labcorp
Classification: Uncertain significance for Mendelian susceptibility to mycobacterial diseases due to complete ISG15 deficiency. Last evaluated: 2022-03-01. Review status: criteria provided, single submitter. Criteria: Invitae Variant Classification Sherloc (09022015). Collection method: clinical testing. Allele origin: germline.
Comment: This sequence change replaces tryptophan, which is neutral and slightly polar, with cysteine, which is neutral and slightly polar, at codon 123 of the ISG15 protein (p.Trp123Cys). This variant is not present in population databases (gnomAD no frequency). This variant has not been reported in the literature in individuals affected with ISG15-related conditions. Algorithms developed to predict the effect of missense changes on protein structure and function are either unavailable or do not agree on the potential impact of this missense change (SIFT: "Tolerated"; PolyPhen-2: "Possibly Damaging"; Align-GVGD: "Class C15"). In summary, the available evidence is currently insufficient to determine the role of this variant in disease. Therefore, it has been classified as a Variant of Uncertain Significance.